The following is an entry in ClinVar:

NM_001378454.1(ALMS1):c.5575A>G (p.Ile1859Val)

Gene: ALMS1 (ALMS1 centrosome and basal body associated protein; plus strand). Cytogenetic location: 2p13.1.
Variant type: single nucleotide variant.
Coding change: c.5575A>G on transcript NM_001378454.1 (MANE Select); coding-DNA position 5575, A replaced by G.
Protein change: p.Ile1859Val; replaces isoleucine 1859 with valine.
Molecular consequence: missense variant.
Genome position (GRCh38, 1-based): chr2:73,452,102, A>G. VCF-style: chr2-73452102-A-G. GRCh37 (hg19) VCF-style: chr2-73679229-A-G.
Other names: c.5578A>G, p.Ile1860Val (NM_015120.4); short protein forms I1860V, I1859V.
Identifiers: ClinVar variation 599291 (VCV000599291.2), dbSNP rs1558650343, ClinGen allele CA347282622.
Genomic context (GRCh38, chr2:73,452,102, plus strand): 5'-CAGAAGACTGGAATAAACATCCTGCCCTCTAATTCCTACCCACAGAGAGAGCACTCTGTC[A>G]TTTCTTATGAGCAGGAGTTGCCAGATCTTACTGAAGTAACTTTGAAAGCAATAGGGGTTC-3'
Protein context (NP_001365383.1, residues 1849-1869): NSYPQREHSV[Ile1859Val]SYEQELPDLT

ClinVar aggregate classification (germline): Uncertain significance (1 of 4 stars; one submission).

Allele frequency attached by ClinVar (database versions not stated): gnomAD exomes below 0.00001; gnomAD 0.00001.
gnomAD v4.1: 3 of 1,613,796 alleles (0.00019%); highest among the groups gnomAD compares: Non-Finnish European, 0.00025%; no homozygotes.

Submission:

Women's Health and Genetics/Laboratory Corporation of America, LabCorp
Classification: Uncertain significance. Last evaluated: 2017-08-22. Review status: criteria provided, single submitter. Criteria: LabCorp Variant Classification Summary - May 2015. Collection method: clinical testing. Allele origin: germline.
Comment: Variant summary: The ALMS1 c.5572A>G (p.Ile1858Val, alternative name c.5578A>G) variant involves the alteration of a non-conserved nucleotide and 5/5 in silico tools predict a benign outcome for this variant. However, the predictions have yet to be functionally assessed. This variant is absent in 276700 control chromosomes (gnomAD). The variant of interest has not, to our knowledge, been reported in affected individuals via publications and/or reputable databases/clinical diagnostic laboratories; nor evaluated for functional impact by in vivo/vitro studies. Because of the absence of clinical information and the lack of functional studies, the variant is classified as a "Variant of Uncertain Significance (VUS)," until additional information becomes available.